The following is an entry in ClinVar:

NM_172107.4(KCNQ2):c.403G>A (p.Val135Met)

Gene: KCNQ2 (potassium voltage-gated channel subfamily Q member 2; minus strand). Cytogenetic location: 20q13.33.
Variant type: single nucleotide variant.
Coding change: c.403G>A on transcript NM_172107.4 (MANE Select); coding-DNA position 403, G replaced by A.
Protein change: p.Val135Met; replaces valine 135 with methionine.
Molecular consequence: missense variant.
Genome position (GRCh38, 1-based): chr20:63,445,349, C>T on the plus strand (G>A on the coding strand, the complement: KCNQ2 is on the minus strand). VCF-style: chr20-63445349-C-T. GRCh37 (hg19) VCF-style: chr20-62076702-C-T.
Other names: c.403G>A, p.Val135Met (NM_001382235.1, NM_004518.6, NM_172106.3 and 2 more transcripts); short protein forms V135M.
Identifiers: ClinVar variation 3608273 (VCV003608273.2).

ClinVar aggregate classification (germline): Uncertain significance (1 of 4 stars; one submission).

Conditions:
Early-infantile DEE. Also called: Early infantile epileptic encephalopathy; Ohtahara syndrome; Early infantile epileptic encephalopathy with suppression bursts. Identifiers: Orphanet 1934, MedGen C0393706, MONDO:0800491.

gnomAD v4.1: 38 of 1,613,618 alleles (0.0024%); highest among the groups gnomAD compares: Non-Finnish European, 0.0028%; no homozygotes.

Submission:

Labcorp Genetics (formerly Invitae), Labcorp
Classification: Uncertain significance for Early-infantile DEE. Last evaluated: 2025-04-11. Review status: criteria provided, single submitter. Criteria: Invitae Variant Classification Sherloc (09022015). Collection method: clinical testing. Allele origin: germline.
Comment: This sequence change replaces valine, which is neutral and non-polar, with methionine, which is neutral and non-polar, at codon 135 of the KCNQ2 protein (p.Val135Met). This variant is present in population databases (rs775649577, gnomAD 0.008%). This variant has not been reported in the literature in individuals affected with KCNQ2-related conditions. ClinVar contains an entry for this variant (Variation ID: 3608273). Invitae Evidence Modeling of protein sequence and biophysical properties (such as structural, functional, and spatial information, amino acid conservation, physicochemical variation, residue mobility, and thermodynamic stability) indicates that this missense variant is expected to disrupt KCNQ2 protein function with a positive predictive value of 95%. In summary, the available evidence is currently insufficient to determine the role of this variant in disease. Therefore, it has been classified as a Variant of Uncertain Significance.